The following is an entry in ClinVar:

ClinVar aggregate classification (germline): Pathogenic (1 of 4 stars; one submission).

Conditions:
Charcot-Marie-Tooth disease, type I (CMT1). Also called: Charcot-Marie-Tooth, Type 1; Charcot-Marie-Tooth disease type 1. Identifiers: Orphanet 65753, MedGen C0751036, MONDO:0019011.

Submission:

Labcorp Genetics (formerly Invitae), Labcorp
Classification: Pathogenic for Charcot-Marie-Tooth disease, type I. Last evaluated: 2024-03-15. Review status: criteria provided, single submitter. Criteria: Invitae Variant Classification Sherloc (09022015). Collection method: clinical testing. Allele origin: germline.
Comment: This sequence change creates a premature translational stop signal (p.Ser78Phefs*13) in the MPZ gene. It is expected to result in an absent or disrupted protein product. Loss-of-function variants in MPZ are known to be pathogenic (PMID: 14711881). This variant is not present in population databases (gnomAD no frequency). This variant has not been reported in the literature in individuals affected with MPZ-related conditions. For these reasons, this variant has been classified as Pathogenic.

Literature cited by the submitters: PubMed 14711881.

NM_000530.8(MPZ):c.232dup (p.Ser78fs)

Gene: MPZ (myelin protein zero; minus strand). Cytogenetic location: 1q23.3.
Variant type: Duplication.
Coding change: c.232dup on transcript NM_000530.8 (MANE Select); coding-DNA position 232, one base duplicated (T; older notation c.232dupT).
Protein change: p.Ser78fs; shifts the reading frame from serine 78.
Molecular consequence: frameshift variant.
Genome position (GRCh38, 1-based): chr1:161,307,260, A duplicated on the plus strand (T on the coding strand, the reverse complement: MPZ is on the minus strand); the first of 3 consecutive A bases (chr1:161,307,260-161,307,262); duplicating any one gives the same sequence. VCF-style (leftmost placement, unchanged base first): chr1-161307259-G-GA. GRCh37 (hg19) VCF-style: chr1-161277049-G-GA.
Other names: c.232dup, p.Ser78fs (NM_001315491.2); short protein forms S78fs.
Identifiers: ClinVar variation 3643765 (VCV003643765.2).